The following is an entry in ClinVar:

ClinVar aggregate classification (germline): Uncertain significance (1 of 4 stars; one submission).

Submission:

Labcorp Genetics (formerly Invitae), Labcorp
Classification: Uncertain significance. Last evaluated: 2022-05-10. Review status: criteria provided, single submitter. Criteria: Invitae Variant Classification Sherloc (09022015). Collection method: clinical testing. Allele origin: germline.
Comment: In summary, the available evidence is currently insufficient to determine the role of this variant in disease. Therefore, it has been classified as a Variant of Uncertain Significance. Algorithms developed to predict the effect of sequence changes on RNA splicing suggest that this variant may disrupt the consensus splice site. This variant has not been reported in the literature in individuals affected with EMC1-related conditions. This variant is not present in population databases (gnomAD no frequency). This sequence change falls in intron 11 of the EMC1 gene. It does not directly change the encoded amino acid sequence of the EMC1 protein.

NM_015047.3(EMC1):c.1213-8G>T

Genes: EMC1 (ER membrane protein complex subunit 1; minus strand), EMC1-AS1 (EMC1 antisense RNA 1; plus strand). Cytogenetic location: 1p36.13.
Variant type: single nucleotide variant.
Coding change: c.1213-8G>T on transcript NM_015047.3 (MANE Select); 8 bases into the intron before coding-DNA position 1213, G replaced by T.
Molecular consequence: intron variant.
Genome position (GRCh38, 1-based): chr1:19,237,246, C>A on the plus strand (G>T on the coding strand, the complement: EMC1 is on the minus strand). VCF-style: chr1-19237246-C-A. GRCh37 (hg19) VCF-style: chr1-19563740-C-A.
Other names: c.1147-8G>T (NM_001271429.2); c.1210-8G>T (NM_001271427.2, NM_001375821.1); c.1213-8G>T (NM_001271428.2, NM_001375820.1).
Identifiers: ClinVar variation 1992648 (VCV001992648.4), dbSNP rs2536760916, ClinGen allele CA2580061429.